The following is an entry in ClinVar:

ClinVar aggregate classification (germline): Uncertain significance (0 of 4 stars; one submission).

Conditions:
CPA6-related disorder. Also called: CPA6-related condition.

Submission:

PreventionGenetics, part of Exact Sciences
Classification: Uncertain significance for CPA6-related condition. Last evaluated: 2023-11-03. Review status: no assertion criteria provided. Collection method: clinical testing. Allele origin: germline.
Comment: The CPA6 c.1037G>T variant is predicted to result in the amino acid substitution p.Cys346Phe. To our knowledge, this variant has not been reported in the literature or in a large population database, indicating this variant is rare. At this time, the clinical significance of this variant is uncertain due to the absence of conclusive functional and genetic evidence.

NM_020361.5(CPA6):c.1037G>T (p.Cys346Phe)

Genes: ARFGEF1-DT (ARFGEF1 divergent transcript; plus strand), CPA6 (carboxypeptidase A6; minus strand). Cytogenetic location: 8q13.2.
Variant type: single nucleotide variant.
Coding change: c.1037G>T on transcript NM_020361.5 (MANE Select); coding-DNA position 1037, G replaced by T.
Protein change: p.Cys346Phe; replaces cysteine 346 with phenylalanine.
Molecular consequence: missense variant.
Genome position (GRCh38, 1-based): chr8:67,434,042, C>A on the plus strand (G>T on the coding strand, the complement: CPA6 is on the minus strand). VCF-style: chr8-67434042-C-A. GRCh37 (hg19) VCF-style: chr8-68346277-C-A.
Other names: short protein forms C346F.
Identifiers: ClinVar variation 3032183 (VCV003032183.2), dbSNP rs775212726, ClinGen allele CA371260064.
Genomic context (GRCh38, chr8:67,434,042, plus strand): 5'-TAGCTTCAGAAAAGCAGCATGAAGCCTGATGTACATGCACAGGGTCAAATACTTACCACA[C>A]ATCTAAAATTGGGAATTGTTGCATATTTGTAAGAATAGGGATACAGTAACATCTGAGCAT-3'
Protein context (NP_065094.3, residues 336-356): YKYATIPNFR[Cys346Phe]VESAAYKAVN